The following is an entry in ClinVar:

ClinVar aggregate classification (germline): Likely benign (1 of 4 stars; one submission).

gnomAD v4.1: 2 of 1,613,744 alleles (0.00012%); highest among the groups gnomAD compares: Non-Finnish European, 0.000085%; no homozygotes.

Submission:

CeGaT Center for Human Genetics Tuebingen
Classification: Likely benign. Last evaluated: 2023-03-01. Review status: criteria provided, single submitter. Criteria: CeGaT Center For Human Genetics Tuebingen Variant Classification Criteria Version 2. Collection method: clinical testing. Allele origin: germline. Affected: yes. Observed: 1 variant allele.
Comment: ZMYND15: PM2:Supporting, BP4, BP7

NM_001136046.3(ZMYND15):c.828A>C (p.Arg276=)

Gene: ZMYND15 (zinc finger MYND-type containing 15; plus strand). Cytogenetic location: 17p13.2.
Variant type: single nucleotide variant.
Coding change: c.828A>C on transcript NM_001136046.3 (MANE Select); coding-DNA position 828, A replaced by C.
Protein change: p.Arg276=; no amino-acid change (arginine 276 retained).
Molecular consequence: synonymous variant.
Genome position (GRCh38, 1-based): chr17:4,741,915, A>C. VCF-style: chr17-4741915-A-C. GRCh37 (hg19) VCF-style: chr17-4645210-A-C.
Other names: c.828A>C, p.Arg276= (NM_001267822.1, NM_032265.2).
Identifiers: ClinVar variation 2647271 (VCV002647271.24), dbSNP rs1916439542, ClinGen allele CA497671264.
Genomic context (GRCh38, chr17:4,741,915, plus strand): 5'-GCCCTGGATTCCCAAGCACCTCCTCCAGCCTGATGCCATCTCCCCCCCAACTGCATTTAG[A>C]GAGCTGGAGAGCTTGGTCCCAAGGCTAGGTGTGAAGTTAGCCAAAACCCCAATGCGGACA-3'
Protein context (NP_001129518.1, residues 266-286): QLTVGDARLH[Arg276=]ELESLVPRLG